The following is an entry in ClinVar:

NM_001330260.2(SCN8A):c.5651A>G (p.Glu1884Gly)

Gene: SCN8A (sodium voltage-gated channel alpha subunit 8; plus strand). Cytogenetic location: 12q13.13.
Variant type: single nucleotide variant.
Coding change: c.5651A>G on transcript NM_001330260.2 (MANE Select); coding-DNA position 5651, A replaced by G.
Protein change: p.Glu1884Gly; replaces glutamic acid 1884 with glycine.
Molecular consequence: missense variant.
Genome position (GRCh38, 1-based): chr12:51,807,137, A>G. VCF-style: chr12-51807137-A-G. GRCh37 (hg19) VCF-style: chr12-52200921-A-G.
Other names: c.5528A>G, p.Glu1843Gly (NM_001177984.3, NM_001369788.1); c.5651A>G, p.Glu1884Gly (NM_014191.4); short protein forms E1843G, E1884G.
Identifiers: ClinVar variation 3635216 (VCV003635216.3).

ClinVar aggregate classification (germline): Uncertain significance. Review status: criteria provided, multiple submitters, no conflicts (2 of 4 stars). 2 submissions from 2 submitters: Uncertain significance (2). Last evaluated 2025-08-18.

Conditions:
Early-infantile DEE. Also called: Early infantile epileptic encephalopathy; Ohtahara syndrome; Early infantile epileptic encephalopathy with suppression bursts. Identifiers: Orphanet 1934, MedGen C0393706, MONDO:0800491.
SCN8A-related disorder.

Submissions (2):

Labcorp Genetics (formerly Invitae), Labcorp
Classification: Uncertain significance for Early-infantile DEE. Last evaluated: 2025-08-18. Review status: criteria provided, single submitter. Criteria: Invitae Variant Classification Sherloc (09022015). Collection method: clinical testing. Allele origin: germline.
Comment: This sequence change replaces glutamic acid, which is acidic and polar, with glycine, which is neutral and non-polar, at codon 1884 of the SCN8A protein (p.Glu1884Gly). This variant is not present in population databases (gnomAD no frequency). This variant has not been reported in the literature in individuals affected with SCN8A-related conditions. ClinVar contains an entry for this variant (Variation ID: 3635216). Invitae Evidence Modeling of protein sequence and biophysical properties (such as structural, functional, and spatial information, amino acid conservation, physicochemical variation, residue mobility, and thermodynamic stability) indicates that this missense variant is expected to disrupt SCN8A protein function with a positive predictive value of 95%. In summary, the available evidence is currently insufficient to determine the role of this variant in disease. Therefore, it has been classified as a Variant of Uncertain Significance.

Daryl Scott Lab, Baylor College of Medicine
Classification: Uncertain significance for SCN8A-related disorder. Last evaluated: 2024-01-01. Review status: criteria provided, single submitter. Criteria: ACMG Guidelines, 2015. Collection method: clinical testing. Allele origin: de novo. Observed: 1 heterozygote.
Comment: PS2, PM2